The following is an entry in ClinVar:

NM_153026.3(PRICKLE1):c.2081A>G (p.Lys694Arg)

Gene: PRICKLE1 (prickle planar cell polarity protein 1; minus strand). Cytogenetic location: 12q12.
Variant type: single nucleotide variant.
Coding change: c.2081A>G on transcript NM_153026.3 (MANE Select); coding-DNA position 2081, A replaced by G.
Protein change: p.Lys694Arg; replaces lysine 694 with arginine.
Molecular consequence: missense variant.
Genome position (GRCh38, 1-based): chr12:42,460,224, T>C on the plus strand (A>G on the coding strand, the complement: PRICKLE1 is on the minus strand). VCF-style: chr12-42460224-T-C. GRCh37 (hg19) VCF-style: chr12-42854026-T-C.
Other names: c.2081A>G, p.Lys694Arg (NM_001144881.2, NM_001144882.2, NM_001144883.2); short protein forms K694R.
Identifiers: ClinVar variation 1014739 (VCV001014739.4), dbSNP rs750904030, ClinGen allele CA6519659.
Genomic context (GRCh38, chr12:42,460,224, plus strand): 5'-TGTATAAATTTCTCATAGTTATCGGGGGTGTACAGCCGCAGTCTGTCCTTGGGAGAGTAT[T>C]TTCTTTCTGTAACAAGATTCAGGGCATTGTCGGAGCGGGACTTTCTACTTCTCCGGCGGC-3'
Protein context (NP_694571.2, residues 684-704): DNALNLVTER[Lys694Arg]YSPKDRLRLY

ClinVar aggregate classification (germline): Uncertain significance (1 of 4 stars; one submission).

Conditions:
Epilepsy, progressive myoclonic, 1B. Also called: PME. Identifiers: Orphanet 308, MedGen C2676254, MONDO:0012904, OMIM 612437.

Allele frequency attached by ClinVar (database versions not stated): gnomAD exomes below 0.00001 and 0.00001; ExAC 0.00001; TOPMed 0.00004; gnomAD 0.00005 and 0.00006.
gnomAD v4.1: 12 of 1,614,040 alleles (0.00074%); highest among the groups gnomAD compares: African/African-American, 0.016%; no homozygotes.

Submission:

Labcorp Genetics (formerly Invitae), Labcorp
Classification: Uncertain significance for Epilepsy, progressive myoclonic, 1B. Last evaluated: 2022-05-10. Review status: criteria provided, single submitter. Criteria: Invitae Variant Classification Sherloc (09022015). Collection method: clinical testing. Allele origin: germline.
Comment: This sequence change replaces lysine, which is basic and polar, with arginine, which is basic and polar, at codon 694 of the PRICKLE1 protein (p.Lys694Arg). This variant is present in population databases (rs750904030, gnomAD 0.01%). This variant has not been reported in the literature in individuals affected with PRICKLE1-related conditions. ClinVar contains an entry for this variant (Variation ID: 1014739). Algorithms developed to predict the effect of missense changes on protein structure and function output the following: SIFT: "Tolerated"; PolyPhen-2: "Benign"; Align-GVGD: "Class C0". The arginine amino acid residue is found in multiple mammalian species, which suggests that this missense change does not adversely affect protein function. In summary, the available evidence is currently insufficient to determine the role of this variant in disease. Therefore, it has been classified as a Variant of Uncertain Significance.